The following is an entry in ClinVar:

ClinVar aggregate classification (germline): Uncertain significance (1 of 4 stars; one submission).

Conditions:
Genitopatellar syndrome (GTPTS). Also called: ABSENT PATELLAE, SCROTAL HYPOPLASIA, RENAL ANOMALIES, FACIAL DYSMORPHISM, AND MENTAL RETARDATION; Genitopatellar syndrome (GPS). Identifiers: Orphanet 85201, MedGen C1853566, MONDO:0011640, OMIM 606170.

Submission:

Labcorp Genetics (formerly Invitae), Labcorp
Classification: Uncertain significance for Genitopatellar syndrome. Last evaluated: 2024-03-01. Review status: criteria provided, single submitter. Criteria: Invitae Variant Classification Sherloc (09022015). Collection method: clinical testing. Allele origin: germline.
Comment: This sequence change falls in intron 7 of the KAT6B gene. It does not directly change the encoded amino acid sequence of the KAT6B protein. It affects a nucleotide within the consensus splice site. This variant is not present in population databases (gnomAD no frequency). This variant has not been reported in the literature in individuals affected with KAT6B-related conditions. Variants that disrupt the consensus splice site are a relatively common cause of aberrant splicing (PMID: 17576681, 9536098). Algorithms developed to predict the effect of sequence changes on RNA splicing suggest that this variant is not likely to affect RNA splicing. In summary, the available evidence is currently insufficient to determine the role of this variant in disease. Therefore, it has been classified as a Variant of Uncertain Significance.

Literature cited by the submitters: PubMed 17576681; PubMed 9536098.

NM_012330.4(KAT6B):c.1061+4G>A

Gene: KAT6B (lysine acetyltransferase 6B; plus strand). Cytogenetic location: 10q22.2.
Variant type: single nucleotide variant.
Coding change: c.1061+4G>A on transcript NM_012330.4 (MANE Select); 4 bases into the intron after coding-DNA position 1061, G replaced by A.
Molecular consequence: intron variant.
Genome position (GRCh38, 1-based): chr10:74,972,643, G>A. VCF-style: chr10-74972643-G-A. GRCh37 (hg19) VCF-style: chr10-76732401-G-A.
Other names: c.1061+4G>A (NM_001370139.1, NM_001370136.1, NM_001370138.1 and 7 more transcripts); c.846+2868G>A (NM_001370133.1); c.193-6581G>A (NM_001370134.1); c.928+2542G>A (NM_001370143.1, NM_001370144.1); c.192+12565G>A (NM_001370135.1).
Identifiers: ClinVar variation 3700008 (VCV003700008.2).